The following is an entry in ClinVar:

ClinVar aggregate classification (germline): Benign/Likely benign. Review status: criteria provided, multiple submitters, no conflicts (2 of 4 stars). 2 submissions from 2 submitters: Benign (1); Likely benign (1). Last evaluated 2025-08-03.

Conditions:
Wilson-Turner syndrome (WTS). Also called: MENTAL RETARDATION, X-LINKED, SYNDROMIC 6; INTELLECTUAL DEVELOPMENTAL DISORDER, X-LINKED, SYNDROMIC, WILSON-TURNER TYPE. Identifiers: Orphanet 3459, MedGen C1839736, MONDO:0010665, OMIM 309585.

Allele frequency attached by ClinVar (database versions not stated): TOPMed 0.00005; 1000 Genomes Project 30x 0.00021; gnomAD 0.00021 and 0.00022; ExAC 0.00023; 1000 Genomes Project 0.00026; gnomAD exomes 0.00037.
gnomAD v4.1: 180 of 1,207,990 alleles (0.015%); highest among the groups gnomAD compares: Admixed American, 0.0022%; 2 homozygotes.

Submissions (2):

Labcorp Genetics (formerly Invitae), Labcorp
Classification: Benign for Wilson-Turner syndrome. Last evaluated: 2025-08-03. Review status: criteria provided, single submitter. Criteria: Invitae Variant Classification Sherloc (09022015). Collection method: clinical testing. Allele origin: germline.

CeGaT Center for Human Genetics Tuebingen
Classification: Likely benign. Last evaluated: 2022-05-01. Review status: criteria provided, single submitter. Criteria: CeGaT Center For Human Genetics Tuebingen Variant Classification Criteria Version 2. Collection method: clinical testing. Allele origin: germline. Affected: yes. Observed: 1 variant allele.
Comment: LAS1L: BP4, BP7

NM_031206.7(LAS1L):c.1893A>C (p.Gly631=)

Gene: LAS1L (LAS1 like ribosome biogenesis factor; minus strand). Cytogenetic location: Xq12.
Variant type: single nucleotide variant.
Coding change: c.1893A>C on transcript NM_031206.7 (MANE Select); coding-DNA position 1893, A replaced by C.
Protein change: p.Gly631=; no amino-acid change (glycine 631 retained).
Molecular consequence: synonymous variant. On other transcripts: non-coding transcript variant (1).
Genome position (GRCh38, 1-based): chrX:65,518,021, T>G on the plus strand (A>C on the coding strand, the complement: LAS1L is on the minus strand). VCF-style: chrX-65518021-T-G. GRCh37 (hg19) VCF-style: chrX-64737901-T-G.
Other names: c.1842A>C, p.Gly614= (NM_001170649.2, NM_001375333.1); c.1716A>C, p.Gly572= (NM_001170650.2); c.1893A>C, p.Gly631= (NM_001375328.1); c.936A>C, p.Gly312= (NM_001375332.1).
Identifiers: ClinVar variation 760134 (VCV000760134.33), dbSNP rs200815004, ClinGen allele CA10433862.